The following is an entry in ClinVar:

NM_201384.3(PLEC):c.13210G>A (p.Gly4404Ser)

Gene: PLEC (plectin; minus strand). Cytogenetic location: 8q24.3.
Variant type: single nucleotide variant.
Coding change: c.13210G>A on transcript NM_201384.3 (MANE Select); coding-DNA position 13210, G replaced by A.
Protein change: p.Gly4404Ser; replaces glycine 4404 with serine.
Molecular consequence: missense variant.
Genome position (GRCh38, 1-based): chr8:143,916,611, C>T on the plus strand (G>A on the coding strand, the complement: PLEC is on the minus strand). VCF-style: chr8-143916611-C-T. GRCh37 (hg19) VCF-style: chr8-144990779-C-T.
Other names: c.13291G>A, p.Gly4431Ser (NM_000445.5); c.13168G>A, p.Gly4390Ser (NM_201378.4); c.13144G>A, p.Gly4382Ser (NM_201379.3); c.13621G>A, p.Gly4541Ser (NM_201380.4); c.13114G>A, p.Gly4372Ser (NM_201381.3); c.13210G>A, p.Gly4404Ser (NM_201382.4); c.13222G>A, p.Gly4408Ser (NM_201383.3); short protein forms G4431S, G4390S, G4372S, G4382S, G4404S, G4541S, G4408S.
Identifiers: ClinVar variation 971586 (VCV000971586.7), dbSNP rs1166340716, ClinGen allele CA372475970.

ClinVar aggregate classification (germline): Uncertain significance (1 of 4 stars; one submission).

Conditions:
Epidermolysis bullosa simplex 5B, with muscular dystrophy (EBS5B). Also called: Epidermolysis bullosa simplex with muscular dystrophy; EPIDERMOLYSIS BULLOSA SIMPLEX AND LIMB-GIRDLE MUSCULAR DYSTROPHY. Identifiers: Orphanet 257, MedGen C2931072, MONDO:0009181, OMIM 226670.
Autosomal recessive limb-girdle muscular dystrophy type 2Q (LGMDR17). Also called: MUSCULAR DYSTROPHY, LIMB-GIRDLE, AUTOSOMAL RECESSIVE 17. Identifiers: Orphanet 254361, MedGen C3150989, MONDO:0013390, OMIM 613723.
Epidermolysis bullosa simplex with nail dystrophy (EBS5D). Identifiers: MedGen C4225309, MONDO:0014661, OMIM 616487.
Epidermolysis bullosa simplex 5C, with pyloric atresia (EBS5C). Also called: PLEC-Related Epidermolysis Bullosa with Pyloric Atresia; Epidermolysis bullosa simplex with pyloric atresia; PLEC1-Related Epidermolysis Bullosa with Pyloric Atresia. Identifiers: Orphanet 158684, MedGen C2677349, MONDO:0012807, OMIM 612138.
Epidermolysis bullosa simplex, Ogna type (EBS5A). Also called: Pidermolysis bullosa simplex 5A, Ogna type; EPIDERMOLYSIS BULLOSA SIMPLEX 5A, OGNA TYPE. Identifiers: Orphanet 79401, MedGen C0432317, MONDO:0007555, OMIM 131950.

Allele frequency attached by ClinVar (database versions not stated): gnomAD exomes below 0.00001; TOPMed 0.00001.
gnomAD v4.1: 1 of 1,609,956 alleles (0.000062%); highest among the groups gnomAD compares: African/African-American, 0.0013%; no homozygotes.

Submission:

Labcorp Genetics (formerly Invitae), Labcorp
Classification: Uncertain significance for Autosomal recessive limb-girdle muscular dystrophy type 2Q; Epidermolysis bullosa simplex, Ogna type; Epidermolysis bullosa simplex with nail dystrophy; Epidermolysis bullosa simplex 5C, with pyloric atresia; Epidermolysis bullosa simplex 5B, with muscular dystrophy. Last evaluated: 2024-09-02. Review status: criteria provided, single submitter. Criteria: Invitae Variant Classification Sherloc (09022015). Collection method: clinical testing. Allele origin: germline.
Comment: This sequence change replaces glycine, which is neutral and non-polar, with serine, which is neutral and polar, at codon 4431 of the PLEC protein (p.Gly4431Ser). This variant is not present in population databases (gnomAD no frequency). This variant has not been reported in the literature in individuals affected with PLEC-related conditions. ClinVar contains an entry for this variant (Variation ID: 971586). Invitae Evidence Modeling of protein sequence and biophysical properties (such as structural, functional, and spatial information, amino acid conservation, physicochemical variation, residue mobility, and thermodynamic stability) indicates that this missense variant is not expected to disrupt PLEC protein function with a negative predictive value of 80%. In summary, the available evidence is currently insufficient to determine the role of this variant in disease. Therefore, it has been classified as a Variant of Uncertain Significance.